The following is an entry in ClinVar:

NM_000892.5(KLKB1):c.1679G>A (p.Arg560Gln)

Gene: KLKB1 (kallikrein B1; plus strand). Cytogenetic location: 4q35.2.
Variant type: single nucleotide variant.
Coding change: c.1679G>A on transcript NM_000892.5 (MANE Select); coding-DNA position 1679, G replaced by A.
Protein change: p.Arg560Gln; replaces arginine 560 with glutamine.
Molecular consequence: missense variant. On other transcripts: intron variant (1).
Genome position (GRCh38, 1-based): chr4:186,257,319, G>A. VCF-style: chr4-186257319-G-A. GRCh37 (hg19) VCF-style: chr4-187178473-G-A.
Other names: p.Arg560Gln; c.1073G>A, p.Arg358Gln (NM_001318396.2); c.1472-702G>A (NM_001318394.2); c.1679G>A (NM_000892.4); short protein forms R358Q, R560Q.
Identifiers: ClinVar variation 1297284 (VCV001297284.6), dbSNP rs4253325, ClinGen allele CA3163448.

ClinVar aggregate classification (germline): Benign. Review status: criteria provided, multiple submitters, no conflicts (2 of 4 stars). 4 submissions from 4 submitters: Benign (3). 1 of the submissions does not count toward it. Last evaluated 2023-10-19.

Conditions:
KLKB1-related disorder. Also called: KLKB1-related condition.

Allele frequency attached by ClinVar (database versions not stated): 1000 Genomes Project 0.22823; gnomAD exomes 0.12209 and 0.16521; 1000 Genomes Project 30x 0.23142; ESP Exome Variant Server 0.14756; gnomAD 0.15940 and 0.16267; TOPMed 0.17257; ExAC 0.16308.
gnomAD v4.1: 202,832 of 1,601,918 alleles (13%); highest among the groups gnomAD compares: East Asian, 29%; 15,590 homozygotes.

Submissions (4):

Mayo Clinic Laboratories, Mayo Clinic
Classification: Benign. Last evaluated: 2023-10-19. Review status: criteria provided, single submitter. Criteria: ACMG Guidelines, 2015. Collection method: clinical testing. Allele origin: germline. Observed: 26 variant alleles.
Comment: BA1, BS2, BS3_supporting

GeneDx
Classification: Benign. Last evaluated: 2018-11-12. Review status: criteria provided, single submitter. Criteria: GeneDx Variant Classification Process June 2021. Collection method: clinical testing. Allele origin: germline. Affected: yes.
Comment: This variant is associated with the following publications: (PMID: 23413192, 25075649, 17318641, 32202057)

Breakthrough Genomics
Classification: Benign. Review status: criteria provided, single submitter. Criteria: ACMG Guidelines, 2015. Collection method: not provided. Allele origin: germline. Inheritance: Autosomal recessive inheritance. Affected: yes.

PreventionGenetics, part of Exact Sciences
Classification: Benign for KLKB1-related condition. Last evaluated: 2019-10-21. Review status: no assertion criteria provided. Collection method: clinical testing. Allele origin: germline. Not counted in ClinVar's aggregate classification.
Comment: This variant is classified as benign based on ACMG/AMP sequence variant interpretation guidelines (Richards et al. 2015 PMID: 25741868, with internal and published modifications).